The following is an entry in ClinVar:

ClinVar aggregate classification (germline): Uncertain significance (1 of 4 stars; one submission).

Submission:

Labcorp Genetics (formerly Invitae), Labcorp
Classification: Uncertain significance. Last evaluated: 2026-01-19. Review status: criteria provided, single submitter. Criteria: Invitae Variant Classification Sherloc (09022015). Collection method: clinical testing. Allele origin: germline.
Comment: This sequence change replaces leucine, which is neutral and non-polar, with valine, which is neutral and non-polar, at codon 465 of the TOP1MT protein (p.Leu465Val). This variant is not present in population databases (gnomAD no frequency). This variant has not been reported in the literature in individuals affected with TOP1MT-related conditions. Invitae Evidence Modeling of protein sequence and biophysical properties (such as structural, functional, and spatial information, amino acid conservation, physicochemical variation, residue mobility, and thermodynamic stability) indicates that this missense variant is expected to disrupt TOP1MT protein function with a positive predictive value of 80%. In summary, the available evidence is currently insufficient to determine the role of this variant in disease. Therefore, it has been classified as a Variant of Uncertain Significance.

NM_052963.3(TOP1MT):c.1393C>G (p.Leu465Val)

Gene: TOP1MT (DNA topoisomerase I mitochondrial; minus strand). Cytogenetic location: 8q24.3.
Variant type: single nucleotide variant.
Coding change: c.1393C>G on transcript NM_052963.3 (MANE Select); coding-DNA position 1393, C replaced by G.
Protein change: p.Leu465Val; replaces leucine 465 with valine.
Molecular consequence: missense variant.
Genome position (GRCh38, 1-based): chr8:143,316,064, G>C on the plus strand (C>G on the coding strand, the complement: TOP1MT is on the minus strand). VCF-style: chr8-143316064-G-C. GRCh37 (hg19) VCF-style: chr8-144398234-G-C.
Other names: c.1099C>G, p.Leu367Val (NM_001258446.1, NM_001258447.1); short protein forms L465V, L367V.
Identifiers: ClinVar variation 4690625 (VCV004690625.1).
Genomic context (GRCh38, chr8:143,316,064, plus strand): 5'-TCTGGAGATTCTGCATCGACTTCTCGAACGTACTGGGGGTTGCTCGCTGATGGTTGCAGA[G>C]AATGGCCACGACTCGGTTGGCTCGGTTGTAGGATAAGATCTTAGCTGCTATGCTGTCCTC-3'
Protein context (NP_443195.1, residues 455-475): YNRANRVVAI[Leu465Val]CNHQRATPST